The following is an entry in ClinVar:

NM_001130438.3(SPTAN1):c.5600+5G>A

Gene: SPTAN1 (spectrin alpha, non-erythrocytic 1; plus strand). Cytogenetic location: 9q34.11.
Variant type: single nucleotide variant.
Coding change: c.5600+5G>A on transcript NM_001130438.3 (MANE Select); 5 bases into the intron after coding-DNA position 5600, G replaced by A.
Molecular consequence: intron variant.
Genome position (GRCh38, 1-based): chr9:128,618,113, G>A. VCF-style: chr9-128618113-G-A. GRCh37 (hg19) VCF-style: chr9-131380392-G-A.
Other names: c.5636+5G>A (NM_001375318.1, NM_001375312.2); c.5600+5G>A (NM_001375311.2, NM_001375310.1, NM_001363759.2 and 1 more transcripts); c.5540+5G>A (NM_001375314.2, NM_001363765.2); c.5585+5G>A (NM_003127.4); c.5525+5G>A (NM_001195532.2).
Identifiers: ClinVar variation 3379901 (VCV003379901.4).
Genomic context (GRCh38, chr9:128,618,113, plus strand): 5'-CGGCTGGCGCAGTTTGTGGAGCACTGGAAAGAGCTGAAGCAGCTGGCAGCTGCCCGGTGA[G>A]TAGTCAGAGGCAGGAGCTCCCGGGAACAAGTGGAAGGCCAGCACCCAAGGGCAGACTCTG-3'

ClinVar aggregate classification (germline): Uncertain significance. Review status: criteria provided, multiple submitters, no conflicts (2 of 4 stars). 3 submissions from 3 submitters: Uncertain significance (3). Last evaluated 2025-04-30.

Conditions:
Early-infantile DEE. Also called: Early infantile epileptic encephalopathy; Ohtahara syndrome; Early infantile epileptic encephalopathy with suppression bursts. Identifiers: Orphanet 1934, MedGen C0393706, MONDO:0800491.

gnomAD v4.1: 3 of 1,612,998 alleles (0.00019%); highest among the groups gnomAD compares: East Asian, 0.0022%; no homozygotes.

Submissions (3):

Dasa
Classification: Uncertain significance. Last evaluated: 2025-04-30. Review status: criteria provided, single submitter. Criteria: DASA Assertion Criteria. Collection method: clinical testing. Allele origin: germline.
Comment: NM_001130438.3(SPTAN1):c.5600+5G>A is a splice-region variant predicted to affect normal RNA splicing. Multiple computational predictions support a deleterious effect on the gene or gene product. The variant is present at low frequency in population datasets. Based on the available data, this variant is classified as variant of uncertain significance.

Labcorp Genetics (formerly Invitae), Labcorp
Classification: Uncertain significance for Early-infantile DEE. Last evaluated: 2024-12-15. Review status: criteria provided, single submitter. Criteria: Invitae Variant Classification Sherloc (09022015). Collection method: clinical testing. Allele origin: germline.
Comment: This sequence change falls in intron 43 of the SPTAN1 gene. It does not directly change the encoded amino acid sequence of the SPTAN1 protein. It affects a nucleotide within the consensus splice site. This variant is not present in population databases (gnomAD no frequency). This variant has not been reported in the literature in individuals affected with SPTAN1-related conditions. Variants that disrupt the consensus splice site are a relatively common cause of aberrant splicing (PMID: 17576681, 9536098). Algorithms developed to predict the effect of sequence changes on RNA splicing suggest that this variant may disrupt the consensus splice site. In summary, the available evidence is currently insufficient to determine the role of this variant in disease. Therefore, it has been classified as a Variant of Uncertain Significance.

Mayo Clinic Laboratories, Mayo Clinic
Classification: Uncertain significance. Last evaluated: 2023-07-17. Review status: criteria provided, single submitter. Criteria: ACMG Guidelines, 2015. Collection method: clinical testing. Allele origin: germline. Observed: 1 variant allele.
Comment: BP4, PM2_moderate

Literature cited by the submitters: PubMed 17576681 (cited by Labcorp Genetics (formerly Invitae), Labcorp); PubMed 9536098 (cited by Labcorp Genetics (formerly Invitae), Labcorp).